The following is an entry in ClinVar:

ClinVar aggregate classification (germline): Uncertain significance. Review status: criteria provided, multiple submitters, no conflicts (2 of 4 stars). 2 submissions from 2 submitters: Uncertain significance (2). Last evaluated 2025-10-22.

Conditions:
Hereditary cancer-predisposing syndrome. Also called: Neoplastic Syndromes, Hereditary; Tumor predisposition; Hereditary neoplastic syndrome; Hereditary Cancer Syndrome. Identifiers: Orphanet 140162, MedGen C0027672, MeSH D009386, MONDO:0015356.
Peutz-Jeghers syndrome (PJS). Also called: POLYPOSIS, HAMARTOMATOUS INTESTINAL; POLYPS-AND-SPOTS SYNDROME; Peutz-Jeghers polyposis; Periorificial lentiginosis syndrome. Identifiers: Orphanet 2869, MedGen C0031269, MeSH D010580, MONDO:0008280, OMIM 175200.

Submissions (2):

Labcorp Genetics (formerly Invitae), Labcorp
Classification: Uncertain significance for Peutz-Jeghers syndrome. Last evaluated: 2025-10-22. Review status: criteria provided, single submitter. Criteria: Invitae Variant Classification Sherloc (09022015). Collection method: clinical testing. Allele origin: germline.
Comment: This sequence change falls in intron 6 of the STK11 gene. It does not directly change the encoded amino acid sequence of the STK11 protein. It affects a nucleotide within the consensus splice site. This variant is not present in population databases (gnomAD no frequency). This variant has not been reported in the literature in individuals affected with STK11-related conditions. ClinVar contains an entry for this variant (Variation ID: 1764074). Variants that disrupt the consensus splice site are a relatively common cause of aberrant splicing (PMID: 17576681, 9536098). Algorithms developed to predict the effect of sequence changes on RNA splicing suggest that this variant is not likely to affect RNA splicing. In summary, the available evidence is currently insufficient to determine the role of this variant in disease. Therefore, it has been classified as a Variant of Uncertain Significance.

Ambry Genetics
Classification: Uncertain significance for Hereditary cancer-predisposing syndrome. Last evaluated: 2025-05-12. Review status: criteria provided, single submitter. Criteria: Ambry Variant Classification Scheme 2023. Collection method: clinical testing. Allele origin: germline.
Comment: The c.862+5G>A intronic variant results from a G to A substitution 5 nucleotides after coding exon 6 in the STK11 gene. This nucleotide position is highly conserved in available vertebrate species. In silico splice site analysis predicts that this alteration will not have any significant effect on splicing; however, direct evidence is insufficient at this time (Ambry internal data). Since supporting evidence is limited at this time, the clinical significance of this alteration remains unclear.

Literature cited by the submitters: PubMed 17576681 (cited by Labcorp Genetics (formerly Invitae), Labcorp); PubMed 9536098 (cited by Labcorp Genetics (formerly Invitae), Labcorp).

NM_000455.5(STK11):c.862+5G>A

Gene: STK11 (serine/threonine kinase 11; plus strand). Cytogenetic location: 19p13.3.
Variant type: single nucleotide variant.
Coding change: c.862+5G>A on transcript NM_000455.5 (MANE Select); 5 bases into the intron after coding-DNA position 862, G replaced by A.
Molecular consequence: intron variant.
Genome position (GRCh38, 1-based): chr19:1,221,345, G>A. VCF-style: chr19-1221345-G-A. GRCh37 (hg19) VCF-style: chr19-1221344-G-A.
Identifiers: ClinVar variation 1764074 (VCV001764074.5), dbSNP rs2080783109, ClinGen allele CA2580096118.